The following is an entry in ClinVar:

ClinVar aggregate classification (germline): Uncertain significance. Review status: criteria provided, multiple submitters, no conflicts (2 of 4 stars). 8 submissions from 8 submitters: Uncertain significance (8). Last evaluated 2025-12-01.

Conditions:
Hereditary cancer-predisposing syndrome. Also called: Neoplastic Syndromes, Hereditary; Hereditary Cancer Syndrome; Hereditary neoplastic syndrome; Tumor predisposition. Identifiers: Orphanet 140162, MedGen C0027672, MeSH D009386, MONDO:0015356.
Familial cancer of breast. Also called: Hereditary breast cancer; hereditary breast carcinoma; BREAST CANCER, FAMILIAL. Identifiers: Orphanet 227535, MedGen C0346153, MONDO:0016419, OMIM 114480. Disease mechanism: loss of function.
Fanconi anemia complementation group J. Also called: BRIP1-Related Fanconi Anemia. Identifiers: Orphanet 84, MedGen C1836860, MONDO:0012187, OMIM 609054.

Allele frequency attached by ClinVar (database versions not stated): gnomAD exomes 0.00001 and 0.00004; gnomAD 0.00002; TOPMed 0.00005; ExAC 0.00007.
gnomAD v4.1: 21 of 1,613,624 alleles (0.0013%); highest among the groups gnomAD compares: Non-Finnish European, 0.0016%; no homozygotes.

Submissions (8):

Labcorp Genetics (formerly Invitae), Labcorp
Classification: Uncertain significance for Familial cancer of breast; Fanconi anemia complementation group J. Last evaluated: 2025-12-01. Review status: criteria provided, single submitter. Criteria: Invitae Variant Classification Sherloc (09022015). Collection method: clinical testing. Allele origin: germline.
Comment: This sequence change replaces threonine, which is neutral and polar, with alanine, which is neutral and non-polar, at codon 274 of the BRIP1 protein (p.Thr274Ala). This variant is present in population databases (rs62620988, gnomAD 0.008%). This missense change has been observed in individual(s) with breast cancer (PMID: 26976419). ClinVar contains an entry for this variant (Variation ID: 141694). Invitae Evidence Modeling of protein sequence and biophysical properties (such as structural, functional, and spatial information, amino acid conservation, physicochemical variation, residue mobility, and thermodynamic stability) has been performed for this missense variant. However, the output from this modeling did not meet the statistical confidence thresholds required to predict the impact of this variant on BRIP1 protein function. In summary, the available evidence is currently insufficient to determine the role of this variant in disease. Therefore, it has been classified as a Variant of Uncertain Significance.

Ambry Genetics
Classification: Uncertain significance for Hereditary cancer-predisposing syndrome. Last evaluated: 2025-09-22. Review status: criteria provided, single submitter. Criteria: Ambry Variant Classification Scheme 2023. Collection method: clinical testing. Allele origin: germline.
Comment: The p.T274A variant (also known as c.820A>G), located in coding exon 6 of the BRIP1 gene, results from an A to G substitution at nucleotide position 820. The threonine at codon 274 is replaced by alanine, an amino acid with similar properties. This alteration has been reported in a cohort of 488 patients with stages I to III breast cancer who were tested with a 25-gene panel test (Tung N et al. J. Clin. Oncol., 2016 May;34:1460-8). In one study, this alteration was observed in 8/36687 control samples and absent in 706 cases with ovarian cancer and 6341 cases with breast cancer (Weber-Lassalle N et al. Breast Cancer Res., 2018 01;20:7).This amino acid position is highly conserved in available vertebrate species. In addition, the in silico prediction for this alteration is inconclusive. Since supporting evidence is limited at this time, the clinical significance of this alteration remains unclear.

GeneDx
Classification: Uncertain significance. Last evaluated: 2024-07-22. Review status: criteria provided, single submitter. Criteria: GeneDx Variant Classification Process June 2021. Collection method: clinical testing. Allele origin: germline. Affected: yes.
Comment: In silico analysis supports that this missense variant has a deleterious effect on protein structure/function; Observed in individuals with breast cancer, but also in unaffected controls (PMID: 26976419, 29368626, 33471991); This variant is associated with the following publications: (PMID: 29368626, 26976419, 33471991)

Color Diagnostics, LLC DBA Color Health
Classification: Uncertain significance for Hereditary cancer-predisposing syndrome. Last evaluated: 2024-07-15. Review status: criteria provided, single submitter. Criteria: ACMG Guidelines, 2015. Collection method: clinical testing. Allele origin: germline.
Comment: This missense variant replaces threonine with alanine at codon 274 of the BRIP1 protein. Computational prediction is inconclusive regarding the impact of this variant on protein structure and function. To our knowledge, functional studies have not been reported for this variant. This variant has been reported in individuals affected with breast cancer (PMID: 26976419, 33471991). In an international breast cancer case-control meta-analysis, this variant was detected in 6/60466 cases and 2/53461 unaffected controls (PMID: 33471991). In a separate case-control study, this variant was absent in 6341 breast cancer cases, absent in 706 ovarian cancer cases, and detected in 8/36687 controls (PMID: 29368626). This variant has also been identified in 10/282442 chromosomes in the general population by the Genome Aggregation Database (gnomAD). The available evidence is insufficient to determine the role of this variant in disease conclusively. Therefore, this variant is classified as a Variant of Uncertain Significance.

Baylor Genetics
Classification: Uncertain significance for Familial cancer of breast. Last evaluated: 2023-12-27. Review status: criteria provided, single submitter. Criteria: ACMG Guidelines, 2015. Collection method: clinical testing. Allele origin: unknown.

Women's Health and Genetics/Laboratory Corporation of America, LabCorp
Classification: Uncertain significance. Last evaluated: 2022-03-03. Review status: criteria provided, single submitter. Criteria: LabCorp Variant Classification Summary - May 2015. Collection method: clinical testing. Allele origin: germline.
Comment: Variant summary: BRIP1 c.820A>G (p.Thr274Ala) results in a non-conservative amino acid change located in the DEAD2 domain (IPR010614) of the encoded protein sequence. Three of five in-silico tools predict a damaging effect of the variant on protein function. The variant allele was found at a frequency of 3.5e-05 in 282442 control chromosomes, predominantly at a frequency of 7.8e-05 within the Non-Finnish European subpopulation in the gnomAD database. The observed variant frequency within Non-Finnish European control individuals in the gnomAD database is somewhat higher than the estimated maximal expected allele frequency for a pathogenic variant in BRIP1 causing Hereditary Breast and Ovarian Cancer Syndrome phenotype (6.3e-05), suggesting that the variant might be a benign polymorphism. The variant, c.820A>G, has been reported in the literature in individuals affected with breast cancer (Tung_2016, Dorling_2021), but was also found in controls (Dorling_2021). In addition, one of these reported individuals also carried another pathogenic variant (BRCA2 c.7618-1G>A, Tung_2016), providing supporting evidence for a benign role. To our knowledge, no experimental evidence demonstrating an impact on protein function has been reported. Five ClinVar submitters have assessed the variant since 2014, and all of them classified the variant as of uncertain significance. Based on the evidence outlined above, the variant was classified as VUS-possibly benign.

Sema4
Classification: Uncertain significance for Hereditary cancer-predisposing syndrome. Last evaluated: 2022-01-18. Review status: criteria provided, single submitter. Criteria: Sema4 Curation Guidelines. Collection method: curation. Allele origin: germline.
Comment: The BRIP1 c.820A>G (p.T274A) variant has been reported in heterozygosity in at least seven individuals with breast cancer (PMID: 26976419, 334719991) as well as individuals from the general population (PMID: 29368626, 33471991). It was observed in 10/128804 chromosomes of the Non-Finnish European subpopulation, with no homozygotes, in the large and broad cohorts of the Genome Aggregation Database (PMID: 32461654). The variant has been reported in ClinVar (Variation ID 141694). Functional studies have not been performed, and in silico predictions of the variant's effect on protein function are inconclusive. The evidence is insufficient to meet ACMG/AMP criteria for classifying the variant as benign or pathogenic. Thus, the clinical significance of this variant is currently uncertain.

Illumina Laboratory Services, Illumina
Classification: Uncertain significance for Fanconi anemia complementation group J. Last evaluated: 2017-04-28. Review status: criteria provided, single submitter. Criteria: ICSL Variant Classification Criteria 13 December 2019. Collection method: clinical testing. Allele origin: germline.

Literature cited by the submitters: PubMed 26976419 (cited by 5 submitters); PubMed 29368626 (cited by 4 submitters); PubMed 33471991 (cited by 3 submitters).

NM_032043.3(BRIP1):c.820A>G (p.Thr274Ala)

Gene: BRIP1 (BRCA1 interacting DNA helicase 1; minus strand). Cytogenetic location: 17q23.2.
Variant type: single nucleotide variant.
Coding change: c.820A>G on transcript NM_032043.3 (MANE Select); coding-DNA position 820, A replaced by G.
Protein change: p.Thr274Ala; replaces threonine 274 with alanine.
Molecular consequence: missense variant.
Genome position (GRCh38, 1-based): chr17:61,808,565, T>C on the plus strand (A>G on the coding strand, the complement: BRIP1 is on the minus strand). VCF-style: chr17-61808565-T-C. GRCh37 (hg19) VCF-style: chr17-59885926-T-C.
Other names: short protein forms T274A.
Identifiers: ClinVar variation 141694 (VCV000141694.31), dbSNP rs62620988, ClinGen allele CA166155.